The following is an entry in ClinVar:

NM_002480.3(PPP1R12A):c.2677del (p.Ser893fs)

Gene: PPP1R12A (protein phosphatase 1 regulatory subunit 12A; minus strand). Cytogenetic location: 12q21.2.
Variant type: Deletion.
Coding change: c.2677del on transcript NM_002480.3 (MANE Select); coding-DNA position 2677, one base deleted (A; older notation c.2677delA).
Protein change: p.Ser893fs; shifts the reading frame from serine 893.
Molecular consequence: frameshift variant.
Genome position (GRCh38, 1-based): chr12:79,788,773, T deleted on the plus strand (A on the coding strand, the reverse complement: PPP1R12A is on the minus strand). VCF-style (leftmost placement, unchanged base first): chr12-79788772-CT-C. GRCh37 (hg19) VCF-style: chr12-80182552-CT-C.
Other names: c.2677delA (NM_002480.3); c.2677del, p.Ser893fs (NM_001143885.2, NM_001244990.2); c.2416del, p.Ser806fs (NM_001143886.2); c.2509del, p.Ser837fs (NM_001244992.1); short protein forms S806fs, S837fs, S893fs.
Identifiers: ClinVar variation 977095 (VCV000977095.1), dbSNP rs1871420455, ClinGen allele CA1139662789.

ClinVar aggregate classification (germline): Likely pathogenic (1 of 4 stars; one submission).

Conditions:
Genitourinary and/or brain malformation syndrome (GUBS). Also called: PPP1R12A-Related Urogenital and/or Brain Malformation Syndrome. Identifiers: MedGen C5394158, MONDO:0032934, OMIM 618820.

Submission:

Johns Hopkins Genomics, Johns Hopkins University
Classification: Likely pathogenic for Genitourinary and/or brain malformation syndrome. Last evaluated: 2020-06-15. Review status: criteria provided, single submitter. Criteria: ACMG Guidelines, 2015. Collection method: clinical testing. Allele origin: germline.
Comment: This variant in PPP1R12A is absent from a large population dataset and has not been previously reported in the academic literature or ClinVar to our knowledge. This frameshift variant results in a premature stop codon in exon 21 of 25 likely leading to nonsense?mediated decay and lack of protein production. We consider c.2677delA to be likely pathogenic.

Literature cited by the submitters: PubMed 31349857; PubMed 31883643.